The following is an entry in ClinVar:

ClinVar aggregate classification (germline): Benign/Likely benign. Review status: criteria provided, multiple submitters, no conflicts (2 of 4 stars). 6 submissions from 6 submitters: Benign (1); Likely benign (5). Last evaluated 2026-01-07.

Conditions:
Hereditary cancer-predisposing syndrome. Also called: Hereditary Cancer Syndrome; Tumor predisposition; Hereditary neoplastic syndrome; Neoplastic Syndromes, Hereditary. Identifiers: Orphanet 140162, MedGen C0027672, MeSH D009386, MONDO:0015356.

Allele frequency attached by ClinVar (database versions not stated): gnomAD 0.00001; TOPMed 0.00002; ExAC 0.00003; gnomAD exomes 0.00005.
gnomAD v4.1: 27 of 1,610,960 alleles (0.0017%); highest among the groups gnomAD compares: Non-Finnish European, 0.00025%; no homozygotes.

Submissions (6):

Labcorp Genetics (formerly Invitae), Labcorp
Classification: Likely benign. Last evaluated: 2026-01-07. Review status: criteria provided, single submitter. Criteria: Invitae Variant Classification Sherloc (09022015). Collection method: clinical testing. Allele origin: germline.

CeGaT Center for Human Genetics Tuebingen
Classification: Likely benign. Last evaluated: 2024-05-01. Review status: criteria provided, single submitter. Criteria: CeGaT Center For Human Genetics Tuebingen Variant Classification Criteria Version 2. Collection method: clinical testing. Allele origin: germline. Affected: yes. Observed: 1 variant allele.
Comment: NTHL1: BP4, BP7

Quest Diagnostics Nichols Institute San Juan Capistrano
Classification: Benign. Last evaluated: 2021-08-20. Review status: criteria provided, single submitter. Criteria: Quest Diagnostics criteria. Collection method: clinical testing. Allele origin: unknown.

Sema4
Classification: Likely benign for Hereditary cancer-predisposing syndrome. Last evaluated: 2021-07-04. Review status: criteria provided, single submitter. Criteria: Sema4 Curation Guidelines. Collection method: curation. Allele origin: germline.

GeneDx
Classification: Likely benign. Last evaluated: 2020-02-08. Review status: criteria provided, single submitter. Criteria: GeneDx Variant Classification Process June 2021. Collection method: clinical testing. Allele origin: germline. Affected: yes.

Ambry Genetics
Classification: Likely benign for Hereditary cancer-predisposing syndrome. Last evaluated: 2019-08-23. Review status: criteria provided, single submitter. Criteria: Ambry Variant Classification Scheme 2023. Collection method: clinical testing. Allele origin: germline.

NM_002528.7(NTHL1):c.843C>A (p.Thr281=)

Gene: NTHL1 (nth like DNA glycosylase 1; minus strand). Cytogenetic location: 16p13.3.
Variant type: single nucleotide variant.
Coding change: c.843C>A on transcript NM_002528.7 (MANE Select); coding-DNA position 843, C replaced by A.
Protein change: p.Thr281=; no amino-acid change (threonine 281 retained).
Molecular consequence: synonymous variant.
Genome position (GRCh38, 1-based): chr16:2,039,996, G>T on the plus strand (C>A on the coding strand, the complement: NTHL1 is on the minus strand). VCF-style: chr16-2039996-G-T. GRCh37 (hg19) VCF-style: chr16-2089997-G-T.
Other names: c.672C>A, p.Thr224= (NM_001318193.2); c.513C>A, p.Thr171= (NM_001318194.2).
Identifiers: ClinVar variation 757655 (VCV000757655.38), dbSNP rs779198160, ClinGen allele CA7828080.